The following is an entry in ClinVar:

ClinVar aggregate classification (germline): Uncertain significance (1 of 4 stars; one submission).

Conditions:
Left ventricular noncompaction 8 (LVNC8). Identifiers: Orphanet 154, Orphanet 54260, MedGen C3809288, MONDO:0014152, OMIM 615373.

Submission:

Labcorp Genetics (formerly Invitae), Labcorp
Classification: Uncertain significance for Left ventricular noncompaction 8. Last evaluated: 2021-11-21. Review status: criteria provided, single submitter. Criteria: Invitae Variant Classification Sherloc (09022015). Collection method: clinical testing. Allele origin: germline.
Comment: In summary, the available evidence is currently insufficient to determine the role of this variant in disease. Therefore, it has been classified as a Variant of Uncertain Significance. Algorithms developed to predict the effect of missense changes on protein structure and function (SIFT, PolyPhen-2, Align-GVGD) all suggest that this variant is likely to be disruptive. This variant has not been reported in the literature in individuals affected with PRDM16-related conditions. This variant is not present in population databases (gnomAD no frequency). This sequence change replaces aspartic acid, which is acidic and polar, with glycine, which is neutral and non-polar, at codon 418 of the PRDM16 protein (p.Asp418Gly).

NM_022114.4(PRDM16):c.1253A>G (p.Asp418Gly)

Gene: PRDM16 (PR/SET domain 16; plus strand). Cytogenetic location: 1p36.32.
Variant type: single nucleotide variant.
Coding change: c.1253A>G on transcript NM_022114.4 (MANE Select); coding-DNA position 1253, A replaced by G.
Protein change: p.Asp418Gly; replaces aspartic acid 418 with glycine.
Molecular consequence: missense variant.
Genome position (GRCh38, 1-based): chr1:3,411,450, A>G. VCF-style: chr1-3411450-A-G. GRCh37 (hg19) VCF-style: chr1-3328014-A-G.
Other names: c.1253A>G, p.Asp418Gly (NM_199454.3); short protein forms D418G.
Identifiers: ClinVar variation 1479791 (VCV001479791.6), dbSNP rs2100662132, ClinGen allele CA337996811.